The following is an entry in ClinVar:

ClinVar aggregate classification (germline): Uncertain significance (1 of 4 stars; one submission).

Allele frequency attached by ClinVar (database versions not stated): ExAC 0.00001; gnomAD 0.00001; TOPMed 0.00001; gnomAD exomes 0.00003.

Submission:

Labcorp Genetics (formerly Invitae), Labcorp
Classification: Uncertain significance. Last evaluated: 2022-06-29. Review status: criteria provided, single submitter. Criteria: Invitae Variant Classification Sherloc (09022015). Collection method: clinical testing. Allele origin: germline.
Comment: This sequence change replaces isoleucine, which is neutral and non-polar, with threonine, which is neutral and polar, at codon 61 of the EIF2B2 protein (p.Ile61Thr). This variant is present in population databases (rs758611010, gnomAD 0.003%). This variant has not been reported in the literature in individuals affected with EIF2B2-related conditions. Algorithms developed to predict the effect of missense changes on protein structure and function (SIFT, PolyPhen-2, Align-GVGD) all suggest that this variant is likely to be disruptive. In summary, the available evidence is currently insufficient to determine the role of this variant in disease. Therefore, it has been classified as a Variant of Uncertain Significance.

NM_014239.4(EIF2B2):c.182T>C (p.Ile61Thr)

Gene: EIF2B2 (eukaryotic translation initiation factor 2B subunit beta; plus strand). Cytogenetic location: 14q24.3.
Variant type: single nucleotide variant.
Coding change: c.182T>C on transcript NM_014239.4 (MANE Select); coding-DNA position 182, T replaced by C.
Protein change: p.Ile61Thr; replaces isoleucine 61 with threonine.
Molecular consequence: missense variant.
Genome position (GRCh38, 1-based): chr14:75,003,293, T>C. VCF-style: chr14-75003293-T-C. GRCh37 (hg19) VCF-style: chr14-75469996-T-C.
Other names: short protein forms I61T.
Identifiers: ClinVar variation 2428473 (VCV002428473.3), dbSNP rs758611010, ClinGen allele CA7274824.